The following continues an entry in ClinVar:

NM_000089.4(COL1A2):c.964G>A (p.Gly322Ser)

Gene: COL1A2. ClinVar aggregate classification (germline): Pathogenic/Likely pathogenic. Pathogenic (9); Likely pathogenic (4).

Submissions 9 to 13 of 13:

Johns Hopkins Genomics, Johns Hopkins University
Classification: Likely pathogenic for Osteogenesis imperfecta with normal sclerae, dominant form. Last evaluated: 2021-07-28. Review status: criteria provided, single submitter. Criteria: ACMG Guidelines, 2015. Collection method: clinical testing. Allele origin: germline.
Comment: COL1A2 c.964G>A has been identified in multiple individuals with osteogenesis imperfecta. This variant has a ClinVar entry and is absent from a large population dataset. p.Gly322Ser affects a glycine residue in the highly conserved Gly-X-Y repeat of the COL1A2 triple helix domain. Three bioinformatic tools queried predict that this substitution would be damaging and the glycine residue at this position is evolutionarily conserved across all species assessed. We consider COL1A2 c.964G>A be likely pathogenic.

UNC Molecular Genetics  Laboratory, University of North Carolina at Chapel Hill
Classification: Likely pathogenic for Osteogenesis imperfecta. Last evaluated: 2021-03-01. Review status: criteria provided, single submitter. Criteria: ACMG Guidelines, 2015. Collection method: research. Allele origin: germline. Affected: yes. Observed: 1 variant allele. Study: CSER_NCGENES.
Comment: The COL1A2 c.964G>A [p.Gly322Ser] missense variant alters a single amino acid in the encoded protein from glycine to serine. This variant has been previously reported in the heterozygous state in two individuals affected with osteogenesis imperfecta (PMID:24501682;15241796). The clinical presentation in one of these individuals appeared mild with less than 10 fractures in their lifetime and late onset hearing loss (PMID:15241796). This variant has also been reported in an apparently homozygous state in one individual with osteogenesis imperfecta and features of short stature, blue sclera, bowed limbs due to multiple fractures and dentinogenesis imperfecta (Pathologe 2015 36, 85-86). This variant is absent from the gnomAD human population database. This variant impacts a glycine residue in a Gly-X-Y repeat of the triple helix domain and computational tools indicate a deleterious impact to protein function. The available evidence indicates this is a likely pathogenic variant.

Laboratorio de Genetica e Diagnostico Molecular, Hospital Israelita Albert Einstein
Classification: Likely pathogenic. Last evaluated: 2020-07-15. Review status: criteria provided, single submitter. Criteria: ACMG Guidelines, 2015. Collection method: clinical testing. Allele origin: germline. Affected: yes.
Comment: ACMG classification criteria: PS4, PM1, PM2, PP3

Blueprint Genetics
Classification: Pathogenic for COL1A2-related disorders. Last evaluated: 2019-12-19. Review status: criteria provided, single submitter. Criteria: ACMG Guidelines, 2015. Collection method: clinical testing. Allele origin: germline. Affected: yes. Observed: 4 variant alleles.

ARUP Laboratories, Molecular Genetics and Genomics, ARUP Laboratories
Classification: Likely pathogenic. Last evaluated: 2017-09-01. Review status: criteria provided, single submitter. Criteria: ARUP Molecular Germline Variant Investigation Process. Collection method: clinical testing. Allele origin: germline.

Literature cited by the submitters: PubMed 15241796 (cited by 6 submitters); PubMed 24501682 (cited by 6 submitters); PubMed 27509835 (cited by Ambry Genetics and Women's Health and Genetics/Laboratory Corporation of America, LabCorp); PubMed 30715774 (cited by Ambry Genetics and Women's Health and Genetics/Laboratory Corporation of America, LabCorp); PubMed 32667677 (cited by Ambry Genetics and Johns Hopkins Genomics, Johns Hopkins University); PubMed 36381796 (cited by Ambry Genetics and Dasa); PubMed 36900016 (cited by Ambry Genetics); PubMed 37076969 (cited by Dasa); PubMed 7695699 (cited by Labcorp Genetics (formerly Invitae), Labcorp); PubMed 8218237 (cited by Labcorp Genetics (formerly Invitae), Labcorp); PubMed 19344236 (cited by Labcorp Genetics (formerly Invitae), Labcorp); PubMed 9016532 (cited by Labcorp Genetics (formerly Invitae), Labcorp); PubMed 17078022 (cited by Labcorp Genetics (formerly Invitae), Labcorp).